The following is an entry in ClinVar:

NM_021922.3(FANCE):c.619G>A (p.Glu207Lys)

Gene: FANCE (FA complementation group E; plus strand). Cytogenetic location: 6p21.31.
Variant type: single nucleotide variant.
Coding change: c.619G>A on transcript NM_021922.3 (MANE Select); coding-DNA position 619, G replaced by A.
Protein change: p.Glu207Lys; replaces glutamic acid 207 with lysine.
Molecular consequence: missense variant.
Genome position (GRCh38, 1-based): chr6:35,456,117, G>A. VCF-style: chr6-35456117-G-A. GRCh37 (hg19) VCF-style: chr6-35423894-G-A.
Other names: c.619G>A, p.Glu207Lys (NM_001410876.1); short protein forms E207K.
Identifiers: ClinVar variation 1980049 (VCV001980049.2), dbSNP rs1424496835, ClinGen allele CA363773302.
Genomic context (GRCh38, chr6:35,456,117, plus strand): 5'-GAAGAAGAGGAGAACAGGGACTCCCAGCAGCCTGGGAAACGCAGAAAGGACTCAGAGGAA[G>A]AGGCTGCCAGTCCTGAGGGGAAGAGGGTCCCCAAAAGATTACGGTGTTGGGAAGAGGAAG-3'
Protein context (NP_068741.1, residues 197-217): PGKRRKDSEE[Glu207Lys]AASPEGKRVP

ClinVar aggregate classification (germline): Uncertain significance (1 of 4 stars; one submission).

Conditions:
Fanconi anemia complementation group E (FANCE). Also called: FANCE-Related Fanconi Anemia. Identifiers: Orphanet 84, MedGen C3160739, MONDO:0010953, OMIM 600901.

Allele frequency attached by ClinVar (database versions not stated): gnomAD 0.00001; gnomAD exomes 0.00001; TOPMed 0.00001.

Submission:

Labcorp Genetics (formerly Invitae), Labcorp
Classification: Uncertain significance for Fanconi anemia complementation group E. Last evaluated: 2025-07-13. Review status: criteria provided, single submitter. Criteria: Invitae Variant Classification Sherloc (09022015). Collection method: clinical testing. Allele origin: germline.
Comment: This sequence change replaces glutamic acid, which is acidic and polar, with lysine, which is basic and polar, at codon 207 of the FANCE protein (p.Glu207Lys). This variant is present in population databases (no rsID available, gnomAD 0.0009%). This variant has not been reported in the literature in individuals affected with FANCE-related conditions. ClinVar contains an entry for this variant (Variation ID: 1980049). Invitae Evidence Modeling of protein sequence and biophysical properties (such as structural, functional, and spatial information, amino acid conservation, physicochemical variation, residue mobility, and thermodynamic stability) indicates that this missense variant is expected to disrupt FANCE protein function with a positive predictive value of 80%. In summary, the available evidence is currently insufficient to determine the role of this variant in disease. Therefore, it has been classified as a Variant of Uncertain Significance.